The following is an entry in ClinVar:

ClinVar aggregate classification (germline): Likely benign. Review status: criteria provided, single submitter (1 of 4 stars). 2 submissions from 2 submitters: Likely benign (1). 1 of the submissions does not count toward it. Last evaluated 2022-12-07.

Conditions:
ITGA7-related disorder. Also called: ITGA7-related condition.
Congenital muscular dystrophy due to integrin alpha-7 deficiency. Also called: MYOPATHY, CONGENITAL, DUE TO INTEGRIN ALPHA-7 DEFICIENCY; Congenital muscular dystrophy with integrin alpha-7 deficiency; Muscular dystrophy, congenital, due to ITGA7 deficiency. Identifiers: Orphanet 34520, MedGen C2750786, MONDO:0013177, OMIM 613204.

Allele frequency attached by ClinVar (database versions not stated): gnomAD 0.00001; TOPMed 0.00002; gnomAD exomes 0.00003; ExAC 0.00009.
gnomAD v4.1: 16 of 1,609,708 alleles (0.00099%); highest among the groups gnomAD compares: East Asian, 0.036%; no homozygotes.

Submissions (2):

Labcorp Genetics (formerly Invitae), Labcorp
Classification: Likely benign for Congenital muscular dystrophy due to integrin alpha-7 deficiency. Last evaluated: 2022-12-07. Review status: criteria provided, single submitter. Criteria: Invitae Variant Classification Sherloc (09022015). Collection method: clinical testing. Allele origin: germline.

PreventionGenetics, part of Exact Sciences
Classification: Likely benign for ITGA7-related condition. Last evaluated: 2019-09-17. Review status: no assertion criteria provided. Collection method: clinical testing. Allele origin: germline. Not counted in ClinVar's aggregate classification.
Comment: This variant is classified as likely benign based on ACMG/AMP sequence variant interpretation guidelines (Richards et al. 2015 PMID: 25741868, with internal and published modifications).

NM_002206.3(ITGA7):c.774C>T (p.Ala258=)

Gene: ITGA7 (integrin subunit alpha 7; minus strand). Cytogenetic location: 12q13.2.
Variant type: single nucleotide variant.
Coding change: c.774C>T on transcript NM_002206.3 (MANE Select); coding-DNA position 774, C replaced by T.
Protein change: p.Ala258=; no amino-acid change (alanine 258 retained).
Molecular consequence: synonymous variant. On other transcripts: intron variant (7).
Genome position (GRCh38, 1-based): chr12:55,699,886, G>A on the plus strand (C>T on the coding strand, the complement: ITGA7 is on the minus strand). VCF-style: chr12-55699886-G-A. GRCh37 (hg19) VCF-style: chr12-56093670-G-A.
Other names: c.774C>T, p.Ala258= (NM_001374465.1, NM_001414031.1, NM_001414034.1); c.906C>T, p.Ala302= (NM_001410977.1); c.591C>T, p.Ala197= (NM_001414033.1); c.435C>T, p.Ala145= (NM_001414035.1); c.511+376C>T (NM_001144997.2); c.463+376C>T (NM_001367993.1); c.-502-969C>T (NM_001367994.1); c.671-969C>T (NM_001414032.1); and 2 more.
Identifiers: ClinVar variation 2058615 (VCV002058615.5), dbSNP rs754255785, ClinGen allele CA6616179.